The following is an entry in ClinVar:

ClinVar aggregate classification (germline): Uncertain significance. Review status: criteria provided, multiple submitters, no conflicts (2 of 4 stars). 2 submissions from 2 submitters: Uncertain significance (2). Last evaluated 2026-03-04.

Conditions:
COL4A5-related disorder. Also called: COL4A5-related condition.

gnomAD v4.1: 3 of 1,204,386 alleles (0.00025%); highest among the groups gnomAD compares: Non-Finnish European, 0.00034%; no homozygotes.

Submissions (2):

PreventionGenetics, part of Exact Sciences
Classification: Uncertain significance for COL4A5-related condition. Last evaluated: 2026-03-04. Review status: criteria provided, single submitter. Criteria: ACMG Guidelines, 2015. Collection method: clinical testing. Allele origin: germline.
Comment: The COL4A5 c.3460G>A variant is predicted to result in the amino acid substitution p.Gly1154Arg. To our knowledge, this variant has not been reported in the literature or in a large population database (gnomAD), indicating this variant is rare. The p.Gly1154 residue resides in the triple-helical region (residues 42 – 1456) of the COL4A5 protein, where substitutions of the glycine (Gly) residue are usually pathogenic (Hudson et al. 1993. PubMed ID: 8253711). However, this substitution of the glycine (Gly) residue occurs at the third amino acid in a Gly-X-Y sequence within this domain, instead of the first. At this time, the clinical significance of this variant is uncertain due to the absence of conclusive functional and genetic evidence.

Women's Health and Genetics/Laboratory Corporation of America, LabCorp
Classification: Uncertain significance. Last evaluated: 2024-08-12. Review status: criteria provided, single submitter. Criteria: LabCorp Variant Classification Summary - May 2015. Collection method: clinical testing. Allele origin: germline.
Comment: Variant summary: COL4A5 c.3460G>A (p.Gly1154Arg) results in a non-conservative amino acid change located in the Collagen triple helix repeat region (IPR008160) of the encoded protein sequence. Four of five in-silico tools predict a benign effect of the variant on protein function. The variant was absent in 166762 control chromosomes. The available data on variant occurrences in the general population are insufficient to allow any conclusion about variant significance. To our knowledge, no occurrence of c.3460G>A in individuals affected with Alport Syndrome 1, X-Linked Recessive and no experimental evidence demonstrating its impact on protein function have been reported. No submitters have cited clinical-significance assessments for this variant to ClinVar. Based on the evidence outlined above, the variant was classified as uncertain significance.

NM_033380.3(COL4A5):c.3460G>A (p.Gly1154Arg)

Gene: COL4A5 (collagen type IV alpha 5 chain; plus strand). Cytogenetic location: Xq22.3.
Variant type: single nucleotide variant.
Coding change: c.3460G>A on transcript NM_033380.3 (MANE Select); coding-DNA position 3460, G replaced by A.
Protein change: p.Gly1154Arg; replaces glycine 1154 with arginine.
Molecular consequence: missense variant.
Genome position (GRCh38, 1-based): chrX:108,666,501, G>A. VCF-style: chrX-108666501-G-A. GRCh37 (hg19) VCF-style: chrX-107909731-G-A.
Other names: c.3460G>A (NM_000495.4); c.3460G>A, p.Gly1154Arg (NM_000495.5); short protein forms G1154R.
Identifiers: ClinVar variation 3366327 (VCV003366327.2).